The following is an entry in ClinVar:

ClinVar aggregate classification (germline): Pathogenic/Likely pathogenic. Review status: criteria provided, multiple submitters, no conflicts (2 of 4 stars). 2 submissions from 2 submitters: Pathogenic (1); Likely pathogenic (1). Last evaluated 2025-12-27.

Conditions:
Tay-Sachs disease (TSD). Also called: HEXA DEFICIENCY; GM2 gangliosidosis, type 1; Hexosaminidase alpha-subunit deficiency (variant B); Sphingolipidosis, Tay-Sachs; HEXA Disorders; Hexosaminidase A Deficiency. Identifiers: Orphanet 845, MedGen C0039373, MONDO:0010100, OMIM 272800.

Submissions (2):

Natera, Inc.
Classification: Likely pathogenic for Tay-Sachs disease. Last evaluated: 2025-12-27. Review status: criteria provided, single submitter. Criteria: Natera Variant Classification Schema (03/2026). Collection method: clinical testing. Allele origin: germline.
Comment: The c.226_242delGGGTCTTGGCCCCGTCC variant in HEXA is a frameshift variant predicted to shift the reading frame beginning at codon 76 and leads to a stop codon 24 codons downstream. This variant is expected to result in nonsense mediated decay, truncation, or a dysfunctional protein product. This variant is rare in the general population with a frequency below the threshold expected for the associated phenotype(s). Given the available evidence, this variant is classified as Likely Pathogenic.

Labcorp Genetics (formerly Invitae), Labcorp
Classification: Pathogenic for Tay-Sachs disease. Last evaluated: 2023-05-21. Review status: criteria provided, single submitter. Criteria: Invitae Variant Classification Sherloc (09022015). Collection method: clinical testing. Allele origin: germline.
Comment: For these reasons, this variant has been classified as Pathogenic. ClinVar contains an entry for this variant (Variation ID: 1457426). This variant has not been reported in the literature in individuals affected with HEXA-related conditions. This variant is not present in population databases (gnomAD no frequency). This sequence change creates a premature translational stop signal (p.Gly76Leufs*24) in the HEXA gene. It is expected to result in an absent or disrupted protein product. Loss-of-function variants in HEXA are known to be pathogenic (PMID: 1833974, 8490625).

Literature cited by the submitters: PubMed 1833974 (cited by Labcorp Genetics (formerly Invitae), Labcorp); PubMed 8490625 (cited by Labcorp Genetics (formerly Invitae), Labcorp).

NM_000520.6(HEXA):c.226_242del (p.Gly76fs)

Gene: HEXA (hexosaminidase subunit alpha; minus strand). Cytogenetic location: 15q23.
Variant type: Deletion.
Coding change: c.226_242del on transcript NM_000520.6 (MANE Select); coding-DNA positions 226 to 242, 17 bases deleted (GGGTCTTGGCCCCGTCC).
Protein change: p.Gly76fs; shifts the reading frame from glycine 76.
Molecular consequence: frameshift variant. On other transcripts: non-coding transcript variant (1).
Genome position (GRCh38, 1-based): chr15:72,375,731-72,375,747, GGACGGGGCCAAGACCC deleted on the plus strand (GGGTCTTGGCCCCGTCC on the coding strand, the reverse complement: HEXA is on the minus strand); deleting any 17 consecutive bases within chr15:72,375,731-72,375,750 gives the same sequence; the c. name uses the placement nearest the transcript's 3' end. VCF-style (leftmost placement, unchanged base first): chr15-72375730-AGGACGGGGCCAAGACCC-A. GRCh37 (hg19) VCF-style: chr15-72668071-AGGACGGGGCCAAGACCC-A.
Other names: c.226_242delGGGTCTTGGCCCCGTCC (NM_000520.5); c.226_242del, p.Gly76fs (NM_001318825.2); short protein forms G76fs.
Identifiers: ClinVar variation 1457426 (VCV001457426.7), dbSNP rs2140344404, ClinGen allele CA2573151071.